The following is an entry in ClinVar:

NM_024422.6(DSC2):c.1134T>C (p.Val378=)

Gene: DSC2 (desmocollin 2; minus strand). Cytogenetic location: 18q12.1.
Variant type: single nucleotide variant.
Coding change: c.1134T>C on transcript NM_024422.6 (MANE Select); coding-DNA position 1134, T replaced by C.
Protein change: p.Val378=; no amino-acid change (valine 378 retained).
Molecular consequence: synonymous variant.
Genome position (GRCh38, 1-based): chr18:31,082,367, A>G on the plus strand (T>C on the coding strand, the complement: DSC2 is on the minus strand). VCF-style: chr18-31082367-A-G. GRCh37 (hg19) VCF-style: chr18-28662333-A-G.
Other names: c.1134T>C, p.Val378= (NM_004949.5).
Identifiers: ClinVar variation 1553223 (VCV001553223.11), dbSNP rs921023156, ClinGen allele CA297637670.

ClinVar aggregate classification (germline): Likely benign. Review status: criteria provided, multiple submitters, no conflicts (2 of 4 stars). 3 submissions from 3 submitters: Likely benign (3). Last evaluated 2025-07-03.

Conditions:
Cardiomyopathy (CMYO). Also called: Cardiomyopathies. Identifiers: Orphanet 167848, MedGen C0878544, MONDO:0004994, HP:0001638. Inheritance: Various modes of inheritance.
Arrhythmogenic right ventricular dysplasia 11. Also called: Arrhythmogenic right ventricular dysplasia 11 with mild palmoplantar keratoderma and woolly hair; Arrhythmogenic Right Ventricular Dysplasia/Cardiomyopathy11; ARRHYTHMOGENIC RIGHT VENTRICULAR DYSPLASIA, FAMILIAL, 11. Identifiers: MedGen C1864850, MONDO:0012506, OMIM 610476.
Familial isolated arrhythmogenic right ventricular dysplasia. Identifiers: Orphanet 217656, MedGen C4274968, MONDO:0016342.

Allele frequency attached by ClinVar (database versions not stated): TOPMed 0.00001.

Submissions (3):

Labcorp Genetics (formerly Invitae), Labcorp
Classification: Likely benign for Arrhythmogenic right ventricular dysplasia 11. Last evaluated: 2025-07-03. Review status: criteria provided, single submitter. Criteria: Invitae Variant Classification Sherloc (09022015). Collection method: clinical testing. Allele origin: germline.

All of Us Research Program, National Institutes of Health
Classification: Likely benign for Familial isolated arrhythmogenic right ventricular dysplasia. Last evaluated: 2023-03-23. Review status: criteria provided, single submitter. Criteria: ACMG Guidelines, 2015. Collection method: clinical testing. Allele origin: germline. Inheritance: Autosomal dominant inheritance. Observed: 1 variant allele, 1 heterozygote.
Comment: This study involves interpretation of variants in research participants for the purpose of population health screening. Participant phenotype was not available at the time of variant classification. Additional details can be found in publication PMID: 35346344, PMCID: PMC8962531

Color Diagnostics, LLC DBA Color Health
Classification: Likely benign for Cardiomyopathy. Last evaluated: 2022-08-22. Review status: criteria provided, single submitter. Criteria: ACMG Guidelines, 2015. Collection method: clinical testing. Allele origin: germline.